The following is an entry in ClinVar:

ClinVar aggregate classification (germline): Benign/Likely benign. Review status: criteria provided, multiple submitters, no conflicts (2 of 4 stars). 4 submissions from 4 submitters: Benign (2); Likely benign (2). Last evaluated 2026-05-01.

Allele frequency attached by ClinVar (database versions not stated): 1000 Genomes Project 0.00040; 1000 Genomes Project 30x 0.00047; TOPMed 0.00250; ESP Exome Variant Server 0.00323.
gnomAD v4.1: 6,251 of 1,614,110 alleles (0.39%); highest among the groups gnomAD compares: Non-Finnish European, 0.49%; 20 homozygotes.

Submissions (4):

CeGaT Center for Human Genetics Tuebingen
Classification: Likely benign. Last evaluated: 2026-05-01. Review status: criteria provided, single submitter. Criteria: CeGaT Center For Human Genetics Tuebingen Variant Classification Criteria Version 2. Collection method: clinical testing. Allele origin: germline. Affected: yes. Observed: 3 variant alleles.
Comment: NUP214: BP4, BP7, BS2

Blueprint Genetics
Classification: Likely benign. Last evaluated: 2024-11-25. Review status: criteria provided, single submitter. Criteria: ACMG Guidelines, 2015. Collection method: clinical testing. Allele origin: germline.

Labcorp Genetics (formerly Invitae), Labcorp
Classification: Benign. Last evaluated: 2019-12-31. Review status: criteria provided, single submitter. Criteria: Invitae Variant Classification Sherloc (09022015). Collection method: clinical testing. Allele origin: germline.

Breakthrough Genomics
Classification: Benign. Review status: criteria provided, single submitter. Criteria: ACMG Guidelines, 2015. Collection method: not provided. Allele origin: germline. Inheritance: Autosomal recessive inheritance. Affected: yes.

NM_005085.4(NUP214):c.3936C>G (p.Thr1312=)

Gene: NUP214 (nucleoporin 214; plus strand). Cytogenetic location: 9q34.13.
Variant type: single nucleotide variant.
Coding change: c.3936C>G on transcript NM_005085.4 (MANE Select); coding-DNA position 3936, C replaced by G.
Protein change: p.Thr1312=; no amino-acid change (threonine 1312 retained).
Molecular consequence: synonymous variant.
Genome position (GRCh38, 1-based): chr9:131,197,430, C>G. VCF-style: chr9-131197430-C-G. GRCh37 (hg19) VCF-style: chr9-134072817-C-G.
Other names: c.3906C>G, p.Thr1302= (NM_001318324.2); c.414C>G, p.Thr138= (NM_001318325.2).
Identifiers: ClinVar variation 784511 (VCV000784511.19), dbSNP rs72768590, ClinGen allele CA5289842.